The following is an entry in ClinVar:

NM_198578.4(LRRK2):c.4959A>G (p.Leu1653=)

Gene: LRRK2 (leucine rich repeat kinase 2; plus strand). Cytogenetic location: 12q12.
Variant type: single nucleotide variant.
Coding change: c.4959A>G on transcript NM_198578.4 (MANE Select); coding-DNA position 4959, A replaced by G.
Protein change: p.Leu1653=; no amino-acid change (leucine 1653 retained).
Molecular consequence: synonymous variant.
Genome position (GRCh38, 1-based): chr12:40,320,119, A>G. VCF-style: chr12-40320119-A-G. GRCh37 (hg19) VCF-style: chr12-40713921-A-G.
Identifiers: ClinVar variation 39202 (VCV000039202.11), dbSNP rs111503579, ClinGen allele CA343614.

ClinVar aggregate classification (germline): Benign/Likely benign. Review status: criteria provided, multiple submitters, no conflicts (2 of 4 stars). 4 submissions from 4 submitters: Benign (2); Likely benign (1). 1 of the submissions does not count toward it. Last evaluated 2024-05-10.

Conditions:
Inborn genetic diseases. Identifiers: MedGen C0950123, MeSH D030342.
Autosomal dominant Parkinson disease 8. Also called: LRRK2-Related Parkinson Disease; Parkinson disease 8; Parkinson disease 8, susceptibility to. Identifiers: Orphanet 411602, MedGen C1846862, MONDO:0011764, OMIM 607060.

Allele frequency attached by ClinVar (database versions not stated): ExAC 0.00008; 1000 Genomes Project 30x 0.00016; 1000 Genomes Project 0.00020; TOPMed 0.00003; gnomAD 0.00004 and 0.00006; gnomAD exomes 0.00006.
gnomAD v4.1: 227 of 1,611,870 alleles (0.014%); highest among the groups gnomAD compares: East Asian, 0.5%; 2 homozygotes.

Submissions (4):

Labcorp Genetics (formerly Invitae), Labcorp
Classification: Benign for Autosomal dominant Parkinson disease 8. Last evaluated: 2024-05-10. Review status: criteria provided, single submitter. Criteria: Invitae Variant Classification Sherloc (09022015). Collection method: clinical testing. Allele origin: germline.

Ambry Genetics
Classification: Likely benign for Inborn genetic diseases. Last evaluated: 2022-02-22. Review status: criteria provided, single submitter. Criteria: Ambry Variant Classification Scheme 2023. Collection method: clinical testing. Allele origin: germline.

Illumina Laboratory Services, Illumina
Classification: Benign for Autosomal dominant Parkinson disease 8. Last evaluated: 2017-04-27. Review status: criteria provided, single submitter. Criteria: ICSL Variant Classification Criteria 13 December 2019. Collection method: clinical testing. Allele origin: germline.
Comment: This variant was observed as part of a predisposition screen in an ostensibly healthy population. A literature search was performed for the gene, cDNA change, and amino acid change (where applicable). Publications were found based on this search. The evidence from the literature, in combination with allele frequency data from public databases where available, was sufficient to rule this variant out of causing disease. Therefore, this variant is classified as benign.

GeneReviews
No classification provided. Condition: Autosomal dominant Parkinson disease 8. Review status: no classification provided. Collection method: literature only. Allele origin: unknown. Not counted in ClinVar's aggregate classification.

Literature cited by the submitters: PubMed 21885347 (cited by Illumina Laboratory Services, Illumina); PubMed 20301387 (cited by GeneReviews); NCBI Bookshelf NBK1208 (cited by GeneReviews).